The following is an entry in ClinVar:

ClinVar aggregate classification (germline): Uncertain significance (1 of 4 stars; one submission).

Conditions:
Early-infantile DEE. Also called: Early infantile epileptic encephalopathy with suppression bursts; Ohtahara syndrome; Early infantile epileptic encephalopathy. Identifiers: Orphanet 1934, MedGen C0393706, MONDO:0800491.

Submission:

Labcorp Genetics (formerly Invitae), Labcorp
Classification: Uncertain significance for Early-infantile DEE. Last evaluated: 2025-12-16. Review status: criteria provided, single submitter. Criteria: Invitae Variant Classification Sherloc (09022015). Collection method: clinical testing. Allele origin: germline.
Comment: This sequence change falls in intron 1 of the SCN1A gene. It does not directly change the encoded amino acid sequence of the SCN1A protein. It affects a nucleotide within the consensus splice site. This variant is not present in population databases (gnomAD no frequency). This variant has not been reported in the literature in individuals affected with SCN1A-related conditions. Variants that disrupt the consensus splice site are a relatively common cause of aberrant splicing (PMID: 17576681, 9536098). Algorithms developed to predict the effect of sequence changes on RNA splicing suggest that this variant may disrupt the consensus splice site. In summary, the available evidence is currently insufficient to determine the role of this variant in disease. Therefore, it has been classified as a Variant of Uncertain Significance.

Literature cited by the submitters: PubMed 17576681; PubMed 9536098.

NM_001165963.4(SCN1A):c.264+4del

Gene: SCN1A (sodium voltage-gated channel alpha subunit 1; minus strand). Cytogenetic location: 2q24.3.
Variant type: Deletion.
Coding change: c.264+4del on transcript NM_001165963.4 (MANE Select); 4 bases into the intron after coding-DNA position 264, one base deleted (A; older notation c.264+4delA).
Molecular consequence: intron variant.
Genome position (GRCh38, 1-based): chr2:166,073,354, T deleted on the plus strand (A on the coding strand, the reverse complement: SCN1A is on the minus strand). VCF-style (leftmost placement, unchanged base first): chr2-166073353-CT-C. GRCh37 (hg19) VCF-style: chr2-166929863-CT-C.
Other names: c.264+4del (NM_001353949.2, NM_001353958.2, NM_001353950.2 and 10 more transcripts); c.-2162+4del (NM_001353961.2).
Identifiers: ClinVar variation 4733407 (VCV004733407.1).
Genomic context (GRCh38, chr2:166,073,353, plus strand): 5'-CTACAACAGTCCAAGGAATGCAGTAGGCAATTAGCAGCAAAATATGCCTGATAAAAAACA[CT>C]CACTTTCTTATTGATATAGTAGGGGTCCAGGTCCTCCAGGGGCTCTGACACCATCTCTGG-3'